The following is an entry in ClinVar:

ClinVar aggregate classification (germline): Benign (1 of 4 stars; one submission).

Conditions:
Colorectal cancer, susceptibility to, 1. Also called: COLORECTAL ADENOMA AND CANCER, SUSCEPTIBILITY TO; COLORECTAL CANCER, SUSCEPTIBILITY TO, ON CHROMOSOME 9. Identifiers: MedGen C1837315, MONDO:0012132, OMIM 608812.

Submission:

Myriad Genetics, Inc.
Classification: Benign for Colorectal cancer, susceptibility to, 1. Last evaluated: 2026-04-24. Review status: criteria provided, single submitter. Criteria: Myriad Autosomal Dominant, Autosomal Recessive and X-Linked Classification Criteria (2023). Collection method: clinical testing. Allele origin: unknown.
Comment: This variant is considered benign. This variant is a silent/synonymous amino acid change and it is not expected to impact splicing.

NM_024642.5(GALNT12):c.639G>T (p.Leu213=)

Gene: GALNT12 (polypeptide N-acetylgalactosaminyltransferase 12; plus strand). Cytogenetic location: 9q22.33.
Variant type: single nucleotide variant.
Coding change: c.639G>T on transcript NM_024642.5 (MANE Select); coding-DNA position 639, G replaced by T.
Protein change: p.Leu213=; no amino-acid change (leucine 213 retained).
Molecular consequence: synonymous variant.
Genome position (GRCh38, 1-based): chr9:98,826,849, G>T. VCF-style: chr9-98826849-G-T. GRCh37 (hg19) VCF-style: chr9-101589131-G-T.
Identifiers: ClinVar variation 4875836 (VCV004875836.1).